The following is an entry in ClinVar:

ClinVar aggregate classification (germline): Uncertain significance (1 of 4 stars; one submission).

Submission:

Labcorp Genetics (formerly Invitae), Labcorp
Classification: Uncertain significance. Last evaluated: 2022-06-09. Review status: criteria provided, single submitter. Criteria: Invitae Variant Classification Sherloc (09022015). Collection method: clinical testing. Allele origin: germline.
Comment: In summary, the available evidence is currently insufficient to determine the role of this variant in disease. Therefore, it has been classified as a Variant of Uncertain Significance. This variant has not been reported in the literature in individuals affected with FUK-related conditions. This variant is not present in population databases (gnomAD no frequency). This sequence change creates a premature translational stop signal (p.Glu563*) in the FUK gene. It is expected to result in an absent or disrupted protein product. However, the current clinical and genetic evidence is not sufficient to establish whether loss-of-function variants in FUK cause disease.

NM_145059.3(FCSK):c.1687G>T (p.Glu563Ter)

Gene: FCSK (fucose kinase; plus strand). Cytogenetic location: 16q22.1.
Variant type: single nucleotide variant.
Coding change: c.1687G>T on transcript NM_145059.3 (MANE Select); coding-DNA position 1687, G replaced by T.
Protein change: p.Glu563Ter; replaces glutamic acid 563 with a stop codon.
Molecular consequence: nonsense.
Genome position (GRCh38, 1-based): chr16:70,473,263, G>T. VCF-style: chr16-70473263-G-T. GRCh37 (hg19) VCF-style: chr16-70507166-G-T.
Other names: short protein forms E563*.
Identifiers: ClinVar variation 2068053 (VCV002068053.4), dbSNP rs2507436460, ClinGen allele CA396570900.
Genomic context (GRCh38, chr16:70,473,263, plus strand): 5'-CTGGCCTCTCGCCGGGACCTGTTCTTCCGCCAGGCCCTGCATAAGGCGCGGCACGTGCTG[G>T]AGGCCCGGCAGGACCTCAGCCTGCGCCCGCTGATCTGGGCTGCTGTCCGCGAGGGCTGCC-3'